The following is an entry in ClinVar:

ClinVar aggregate classification (germline): Uncertain significance (1 of 4 stars; one submission).

Conditions:
GNE myopathy (NM). Also called: INCLUSION BODY MYOPATHY, HEREDITARY, AUTOSOMAL RECESSIVE; NONAKA DISTAL MYOPATHY; INCLUSION BODY MYOPATHY 2, AUTOSOMAL RECESSIVE; MYOPATHY, DISTAL, WITH OR WITHOUT RIMMED VACUOLES; IBM 2; Inclusion body myopathy autosomal recessive. Identifiers: Orphanet 602, MedGen C1853926, MONDO:0011603, OMIM 605820.

Submission:

Kasturba Medical College, Manipal, Kasturba Medical College, Manipal, Manipal Academy of Higher Education, Manipal, India
Classification: Uncertain significance for GNE myopathy. Last evaluated: 2026-04-23. Review status: criteria provided, single submitter. Criteria: ACMG Guidelines, 2015. Collection method: research. Allele origin: paternal. Inheritance: Autosomal recessive inheritance. Affected: yes. Observed: 1 variant allele, 1 heterozygote.
Comment: This variant is absent in heterozygous and/or homozygous state in gnomAD population database (v4.1.0) and our in-house database of 4200 exomes. In-silico analysis tools (CADD_phred and REVEL) are consistent in predicting the variant to be damaging to the GNE protein structure and function.

NM_005476.7(GNE):c.1991T>C (p.Leu664Pro)

Gene: GNE (glucosamine (UDP-N-acetyl)-2-epimerase/N-acetylmannosamine kinase; minus strand). Cytogenetic location: 9p13.3.
Variant type: single nucleotide variant.
Coding change: c.1991T>C on transcript NM_005476.7 (MANE Select); coding-DNA position 1991, T replaced by C.
Protein change: p.Leu664Pro; replaces leucine 664 with proline.
Molecular consequence: missense variant.
Genome position (GRCh38, 1-based): chr9:36,217,543, A>G on the plus strand (T>C on the coding strand, the complement: GNE is on the minus strand). VCF-style: chr9-36217543-A-G. GRCh37 (hg19) VCF-style: chr9-36217540-A-G.
Other names: c.2084T>C, p.Leu695Pro (NM_001128227.3); c.1769T>C, p.Leu590Pro (NM_001190383.3); c.1661T>C, p.Leu554Pro (NM_001190384.3); c.1814T>C, p.Leu605Pro (NM_001190388.2, NM_001374798.1); c.1838T>C, p.Leu613Pro (NM_001374797.1); short protein forms L554P, L590P, L605P, L613P, L664P, L695P.
Identifiers: ClinVar variation 4850531 (VCV004850531.1).